The following is an entry in ClinVar:

NM_006514.4(SCN10A):c.926del (p.Leu309fs)

Gene: SCN10A (sodium voltage-gated channel alpha subunit 10; minus strand). Cytogenetic location: 3p22.2.
Variant type: Deletion.
Coding change: c.926del on transcript NM_006514.4 (MANE Select); coding-DNA position 926, one base deleted (T; older notation c.926delT).
Protein change: p.Leu309fs; shifts the reading frame from leucine 309.
Molecular consequence: frameshift variant.
Genome position (GRCh38, 1-based): chr3:38,760,705, A deleted on the plus strand (T on the coding strand, the reverse complement: SCN10A is on the minus strand). VCF-style (leftmost placement, unchanged base first): chr3-38760704-CA-C. GRCh37 (hg19) VCF-style: chr3-38802195-CA-C.
Other names: c.926del, p.Leu309fs (NM_001293306.2, NM_001293307.2); short protein forms L309fs.
Identifiers: ClinVar variation 3694223 (VCV003694223.2).
Genomic context (GRCh38, chr3:38,760,704, plus strand): 5'-TTGGGCACTCGTGCTTTGTCATAAGTTGGGAACTCACCCTGAGTCAGATCCATTGCCACA[CA>C]GTAAGGGGTCAGAAGTGCCTCGCTTATTTATGTAGATATCTGCTGAAGAAAGGAAGAAAA-3'

ClinVar aggregate classification (germline): Uncertain significance (1 of 4 stars; one submission).

Conditions:
Brugada syndrome. Also called: Sudden unexpected nocturnal death syndrome; Sudden Unexplained Death Syndrome; Sudden Unexplained Nocturnal Death Syndrome (SUNDS); Sudden unexplained nocturnal death syndrome. Identifiers: Orphanet 130, MedGen C1142166, MONDO:0015263.

Submission:

Labcorp Genetics (formerly Invitae), Labcorp
Classification: Uncertain significance for Brugada syndrome. Last evaluated: 2024-08-28. Review status: criteria provided, single submitter. Criteria: Invitae Variant Classification Sherloc (09022015). Collection method: clinical testing. Allele origin: germline.
Comment: This sequence change creates a premature translational stop signal (p.Leu309Argfs*45) in the SCN10A gene. It is expected to result in an absent or disrupted protein product. However, the current clinical and genetic evidence is not sufficient to establish whether loss-of-function variants in SCN10A cause disease. This variant is not present in population databases (gnomAD no frequency). This variant has not been reported in the literature in individuals affected with SCN10A-related conditions. In summary, the available evidence is currently insufficient to determine the role of this variant in disease. Therefore, it has been classified as a Variant of Uncertain Significance.